The following is an entry in ClinVar:

NM_000124.4(ERCC6):c.1772C>T (p.Pro591Leu)

Gene: ERCC6 (ERCC excision repair 6, chromatin remodeling factor; minus strand). Cytogenetic location: 10q11.23.
Variant type: single nucleotide variant.
Coding change: c.1772C>T on transcript NM_000124.4 (MANE Select); coding-DNA position 1772, C replaced by T.
Protein change: p.Pro591Leu; replaces proline 591 with leucine.
Molecular consequence: missense variant.
Genome position (GRCh38, 1-based): chr10:49,493,166, G>A on the plus strand (C>T on the coding strand, the complement: ERCC6 is on the minus strand). VCF-style: chr10-49493166-G-A. GRCh37 (hg19) VCF-style: chr10-50701212-G-A.
Other names: p.Pro591Leu; c.1772C>T (NM_000124.2, NM_000124.3); c.1772C>T, p.Pro591Leu (NM_001346440.2); short protein forms P591L.
Identifiers: ClinVar variation 916386 (VCV000916386.49), dbSNP rs115876786, ClinGen allele CA5495870.
Genomic context (GRCh38, chr10:49,493,166, plus strand): 5'-TATTGTGTTACCTTTTTGTGGGTATAGGAACCGGTTTCATGTAGAATTGCCACTCTGAAC[G>A]GAGGCCACCACGTGTGAAATTCCTTCACCCACTGATGCATCACTGTTGTTGGACAGACAA-3'
Protein context (NP_000115.1, residues 581-601): WVKEFHTWWP[Pro591Leu]FRVAILHETG

ClinVar aggregate classification (germline): Conflicting classifications of pathogenicity. Review status: criteria provided, conflicting classifications (1 of 4 stars). 6 submissions from 6 submitters: Uncertain significance (5); Likely benign (1). Last evaluated 2026-01-09.

Conditions:
Inborn genetic diseases. Identifiers: MedGen C0950123, MeSH D030342.

Allele frequency attached by ClinVar (database versions not stated): gnomAD exomes 0.00015 and 0.00038; ExAC 0.00017; TOPMed 0.00020; gnomAD 0.00023 and 0.00024; 1000 Genomes Project 0.00040; 1000 Genomes Project 30x 0.00047; ESP Exome Variant Server 0.00062.
gnomAD v4.1: 572 of 1,614,022 alleles (0.035%); highest among the groups gnomAD compares: Non-Finnish European, 0.045%; no homozygotes.

Submissions (6):

Labcorp Genetics (formerly Invitae), Labcorp
Classification: Likely benign. Last evaluated: 2026-01-09. Review status: criteria provided, single submitter. Criteria: Invitae Variant Classification Sherloc (09022015). Collection method: clinical testing. Allele origin: germline.

CeGaT Center for Human Genetics Tuebingen
Classification: Uncertain significance. Last evaluated: 2024-11-01. Review status: criteria provided, single submitter. Criteria: CeGaT Center For Human Genetics Tuebingen Variant Classification Criteria Version 2. Collection method: clinical testing. Allele origin: germline. Affected: yes. Observed: 2 variant alleles.
Comment: ERCC6: PM2

Mayo Clinic Laboratories, Mayo Clinic
Classification: Uncertain significance. Last evaluated: 2022-10-04. Review status: criteria provided, single submitter. Criteria: ACMG Guidelines, 2015. Collection method: clinical testing. Allele origin: germline. Observed: 1 variant allele.

GeneDx
Classification: Uncertain significance. Last evaluated: 2022-04-11. Review status: criteria provided, single submitter. Criteria: GeneDx Variant Classification Process June 2021. Collection method: clinical testing. Allele origin: germline. Affected: yes.
Comment: In silico analysis supports that this missense variant has a deleterious effect on protein structure/function; Has not been previously published as pathogenic or benign to our knowledge

Greenwood Genetic Center Diagnostic Laboratories, Greenwood Genetic Center
Classification: Uncertain significance. Last evaluated: 2022-04-08. Review status: criteria provided, single submitter. Criteria: ACMG Guidelines, 2015. Collection method: clinical testing. Allele origin: germline. Affected: yes.
Comment: PM2

Ambry Genetics
Classification: Uncertain significance for Inborn genetic diseases. Last evaluated: 2021-10-16. Review status: criteria provided, single submitter. Criteria: Ambry Variant Classification Scheme 2023. Collection method: clinical testing. Allele origin: germline.